The following is an entry in ClinVar:

NM_015295.3(SMCHD1):c.3710C>T (p.Thr1237Ile)

Gene: SMCHD1 (structural maintenance of chromosomes flexible hinge domain containing 1; plus strand). Cytogenetic location: 18p11.32.
Variant type: single nucleotide variant.
Coding change: c.3710C>T on transcript NM_015295.3 (MANE Select); coding-DNA position 3710, C replaced by T.
Protein change: p.Thr1237Ile; replaces threonine 1237 with isoleucine.
Molecular consequence: missense variant.
Genome position (GRCh38, 1-based): chr18:2,743,837, C>T. VCF-style: chr18-2743837-C-T. GRCh37 (hg19) VCF-style: chr18-2743835-C-T.
Other names: short protein forms T1237I.
Identifiers: ClinVar variation 972306 (VCV000972306.9), dbSNP rs761222520, ClinGen allele CA8871282.
Genomic context (GRCh38, chr18:2,743,837, plus strand): 5'-TAAGTGTAAGAGGCATCAAATTTATTCCAGGTCCTCCTGGAAATAAGGATCTTTGTTTTA[C>T]TTGGCGTGAGTTTTCTGACTTTATTCGAGTGCAACTAATTTCTGGACCTCCTGCTAAACT-3'
Protein context (NP_056110.2, residues 1227-1247): GPPGNKDLCF[Thr1237Ile]WREFSDFIRV

ClinVar aggregate classification (germline): Uncertain significance (1 of 4 stars; one submission).

Conditions:
Facioscapulohumeral muscular dystrophy 2 (FSHD2). Also called: FACIOSCAPULOHUMERAL MUSCULAR DYSTROPHY 2, DIGENIC; FSHD2, DIGENIC; MUSCULAR DYSTROPHY, FACIOSCAPULOHUMERAL, TYPE 1B. Identifiers: Orphanet 269, MedGen C1834671, MONDO:0008031, OMIM 158901.

Allele frequency attached by ClinVar (database versions not stated): gnomAD exomes 0.00001; TOPMed 0.00001; ExAC 0.00002; gnomAD 0.00002 and 0.00003.
gnomAD v4.1: 14 of 1,613,074 alleles (0.00087%); highest among the groups gnomAD compares: East Asian, 0.0067%; no homozygotes.

Submission:

Labcorp Genetics (formerly Invitae), Labcorp
Classification: Uncertain significance for Facioscapulohumeral muscular dystrophy 2. Last evaluated: 2019-10-18. Review status: criteria provided, single submitter. Criteria: Invitae Variant Classification Sherloc (09022015). Collection method: clinical testing. Allele origin: germline.
Comment: Algorithms developed to predict the effect of missense changes on protein structure and function (SIFT, PolyPhen-2, Align-GVGD) all suggest that this variant is likely to be tolerated, but these predictions have not been confirmed by published functional studies and their clinical significance is uncertain. In summary, the available evidence is currently insufficient to determine the role of this variant in disease. Therefore, it has been classified as a Variant of Uncertain Significance. This variant has not been reported in the literature in individuals with SMCHD1-related conditions. This variant is present in population databases (rs761222520, ExAC 0.01%). This sequence change replaces threonine with isoleucine at codon 1237 of the SMCHD1 protein (p.Thr1237Ile). The threonine residue is moderately conserved and there is a moderate physicochemical difference between threonine and isoleucine.